The following is an entry in ClinVar:

ClinVar aggregate classification (germline): Likely benign. Review status: criteria provided, multiple submitters, no conflicts (2 of 4 stars). 3 submissions from 3 submitters: Likely benign (3). Last evaluated 2025-11-03.

Conditions:
Arterial calcification, generalized, of infancy, 2. Identifiers: Orphanet 51608, MedGen C3276161, MONDO:0013768, OMIM 614473.
Autosomal recessive inherited pseudoxanthoma elasticum (PXE). Identifiers: Orphanet 758, MedGen CN032334, MONDO:0009925, OMIM 264800.
Pseudoxanthoma elasticum, forme fruste. Also called: Pseudoxanthoma Elasticum, Incomplete; PSEUDOXANTHOMA ELASTICUM, HETEROZYGOUS. Identifiers: Orphanet 758, MedGen C1867450, MONDO:0008333, OMIM 177850.
ABCC6-related disorder. Also called: ABCC6-related condition.

Allele frequency attached by ClinVar (database versions not stated): gnomAD 0.00006; 1000 Genomes Project 30x 0.00016; 1000 Genomes Project 0.00020.
gnomAD v4.1: 21 of 1,613,934 alleles (0.0013%); highest among the groups gnomAD compares: African/African-American, 0.025%; no homozygotes.

Submissions (3):

Labcorp Genetics (formerly Invitae), Labcorp
Classification: Likely benign. Last evaluated: 2025-11-03. Review status: criteria provided, single submitter. Criteria: Invitae Variant Classification Sherloc (09022015). Collection method: clinical testing. Allele origin: germline.

PreventionGenetics, part of Exact Sciences
Classification: Likely benign for ABCC6-related condition. Last evaluated: 2025-03-17. Review status: criteria provided, single submitter. Criteria: ACMG Guidelines, 2015. Collection method: clinical testing. Allele origin: germline.
Comment: This variant is classified as likely benign based on ACMG/AMP sequence variant interpretation guidelines (Richards et al. 2015 PMID: 25741868, with internal and published modifications).

Fulgent Genetics
Classification: Likely benign for Pseudoxanthoma elasticum, forme fruste; Autosomal recessive inherited pseudoxanthoma elasticum; Arterial calcification, generalized, of infancy, 2. Last evaluated: 2022-01-11. Review status: criteria provided, single submitter. Criteria: ACMG Guidelines, 2015. Collection method: clinical testing. Allele origin: unknown.

NM_001171.6(ABCC6):c.4404-5C>A

Gene: ABCC6 (ATP binding cassette subfamily C member 6; minus strand). Cytogenetic location: 16p13.11.
Variant type: single nucleotide variant.
Coding change: c.4404-5C>A on transcript NM_001171.6 (MANE Select); 5 bases into the intron before coding-DNA position 4404, C replaced by A.
Molecular consequence: intron variant.
Genome position (GRCh38, 1-based): chr16:16,150,246, G>T on the plus strand (C>A on the coding strand, the complement: ABCC6 is on the minus strand). VCF-style: chr16-16150246-G-T. GRCh37 (hg19) VCF-style: chr16-16244103-G-T.
Other names: c.4062-5C>A (NM_001351800.1); c.4404-5C>A (NM_001171.5).
Identifiers: ClinVar variation 1597990 (VCV001597990.10), dbSNP rs58190361, ClinGen allele CA7925169.